The following is an entry in ClinVar:

ClinVar aggregate classification (germline): Uncertain significance (1 of 4 stars; one submission).

Conditions:
Hereditary cancer-predisposing syndrome. Also called: Neoplastic Syndromes, Hereditary; Tumor predisposition; Hereditary neoplastic syndrome; Hereditary Cancer Syndrome. Identifiers: Orphanet 140162, MedGen C0027672, MeSH D009386, MONDO:0015356.

Submission:

Ambry Genetics
Classification: Uncertain significance for Hereditary cancer-predisposing syndrome. Last evaluated: 2023-01-05. Review status: criteria provided, single submitter. Criteria: Ambry Variant Classification Scheme 2023. Collection method: clinical testing. Allele origin: germline.
Comment: The p.G940A variant (also known as c.2819G>C), located in coding exon 21 of the MSH3 gene, results from a G to C substitution at nucleotide position 2819. The glycine at codon 940 is replaced by alanine, an amino acid with similar properties. This amino acid position is conserved. In addition, this alteration is predicted to be deleterious by in silico analysis. Since supporting evidence is limited at this time, the clinical significance of this alteration remains unclear.

NM_002439.5(MSH3):c.2819G>C (p.Gly940Ala)

Gene: MSH3 (mutS homolog 3; plus strand). Cytogenetic location: 5q14.1.
Variant type: single nucleotide variant.
Coding change: c.2819G>C on transcript NM_002439.5 (MANE Select); coding-DNA position 2819, G replaced by C.
Protein change: p.Gly940Ala; replaces glycine 940 with alanine.
Molecular consequence: missense variant.
Genome position (GRCh38, 1-based): chr5:80,854,135, G>C. VCF-style: chr5-80854135-G-C. GRCh37 (hg19) VCF-style: chr5-80149954-G-C.
Other names: short protein forms G940A.
Identifiers: ClinVar variation 2451061 (VCV002451061.2), dbSNP rs1745876103, ClinGen allele CA360275467.
Genomic context (GRCh38, chr5:80,854,135, plus strand): 5'-GCTTCCTAATAAGAAAGTGAAGAGGAAAATCAAGGTGTTTTCATCTTGCTTGTAGGATGG[G>C]TGCTGCAGACAATATATATAAAGGACAGAGTACATTTATGGAAGAACTGACTGACACAGC-3'
Protein context (NP_002430.3, residues 930-950): GIVDGIFTRM[Gly940Ala]AADNIYKGQS